The following is an entry in ClinVar:

NM_003242.6(TGFBR2):c.340G>C (p.Glu114Gln)

Gene: TGFBR2 (transforming growth factor beta receptor 2; plus strand). Cytogenetic location: 3p24.1.
Variant type: single nucleotide variant.
Coding change: c.340G>C on transcript NM_003242.6 (MANE Select); coding-DNA position 340, G replaced by C.
Protein change: p.Glu114Gln; replaces glutamic acid 114 with glutamine.
Molecular consequence: missense variant.
Genome position (GRCh38, 1-based): chr3:30,650,346, G>C. VCF-style: chr3-30650346-G-C. GRCh37 (hg19) VCF-style: chr3-30691838-G-C.
Other names: c.415G>C, p.Glu139Gln (NM_001024847.3, NM_001407126.1, NM_001407139.1); c.340G>C, p.Glu114Gln (NM_001407127.1, NM_001407130.1); c.367G>C, p.Glu123Gln (NM_001407128.1); c.235G>C, p.Glu79Gln (NM_001407129.1, NM_001407132.1, NM_001407133.1 and 3 more transcripts); short protein forms E139Q, E114Q, E123Q, E79Q.
Identifiers: ClinVar variation 927079 (VCV000927079.14), dbSNP rs771551560, ClinGen allele CA048033.
Genomic context (GRCh38, chr3:30,650,346, plus strand): 5'-AACATAACACTAGAGACAGTTTGCCATGACCCCAAGCTCCCCTACCATGACTTTATTCTG[G>C]AAGATGCTGCTTCTCCAAAGTGCATTATGAAGGAAAAAAAAAAGCCTGGTGAGACTTTCT-3'
Protein context (NP_003233.4, residues 104-124): PKLPYHDFIL[Glu114Gln]DAASPKCIMK

ClinVar aggregate classification (germline): Uncertain significance/Uncertain risk allele. Review status: criteria provided, multiple submitters, no conflicts (2 of 4 stars). 6 submissions from 6 submitters: Uncertain significance (5); Uncertain risk allele (1). Last evaluated 2026-01-05.

Conditions:
Loeys-Dietz syndrome 2 (LDS2). Also called: Marfan syndrome, type 2 (formerly); Marfan Syndrome type 2; Marfan like connective tissue disorder; MFS 2; AORTIC ANEURYSM, FAMILIAL THORACIC 3; MARFAN SYNDROME, TYPE II. Identifiers: Orphanet 284973, Orphanet 558, MedGen C2674574, MONDO:0012427, OMIM 610168.
Colorectal cancer, hereditary nonpolyposis, type 6. Also called: Colon cancer, hereditary nonpolyposis, type 6; Colon cancer, hereditary nonpolyposis, type 6, somatic. Identifiers: Orphanet 144, MedGen C1860896, MONDO:0013695, OMIM 614331.
Malignant tumor of esophagus. Also called: Esophageal cancer, somatic; Esophageal cancer. Identifiers: Orphanet 99977, MedGen C0546837, MONDO:0007576, OMIM 133239.
Diabetic retinopathy. Identifiers: MedGen C0011884, MONDO:0005266.
Familial thoracic aortic aneurysm and aortic dissection (TAAD). Also called: Thoracic aortic aneurysms and dissections. Identifiers: Orphanet 91387, MedGen C4707243, MONDO:0019625.

Allele frequency attached by ClinVar (database versions not stated): gnomAD exomes below 0.00001 and 0.00001; ExAC 0.00001; TOPMed 0.00003; gnomAD 0.00004 and 0.00005.
gnomAD v4.1: 11 of 1,613,734 alleles (0.00068%); highest among the groups gnomAD compares: Admixed American, 0.015%; no homozygotes.

Submissions (6):

Labcorp Genetics (formerly Invitae), Labcorp
Classification: Uncertain significance for Familial thoracic aortic aneurysm and aortic dissection. Last evaluated: 2026-01-05. Review status: criteria provided, single submitter. Criteria: Invitae Variant Classification Sherloc (09022015). Collection method: clinical testing. Allele origin: germline.
Comment: This sequence change replaces glutamic acid, which is acidic and polar, with glutamine, which is neutral and polar, at codon 114 of the TGFBR2 protein (p.Glu114Gln). This variant is present in population databases (rs771551560, gnomAD 0.003%). This variant has not been reported in the literature in individuals affected with TGFBR2-related conditions. ClinVar contains an entry for this variant (Variation ID: 927079). Invitae Evidence Modeling of protein sequence and biophysical properties (such as structural, functional, and spatial information, amino acid conservation, physicochemical variation, residue mobility, and thermodynamic stability) indicates that this missense variant is not expected to disrupt TGFBR2 protein function with a negative predictive value of 95%. In summary, the available evidence is currently insufficient to determine the role of this variant in disease. Therefore, it has been classified as a Variant of Uncertain Significance.

Ambry Genetics
Classification: Uncertain significance for Familial thoracic aortic aneurysm and aortic dissection. Last evaluated: 2025-11-25. Review status: criteria provided, single submitter. Criteria: Ambry Variant Classification Scheme 2023. Collection method: clinical testing. Allele origin: germline.
Comment: The p.E114Q variant (also known as c.340G>C), located in coding exon 3 of the TGFBR2 gene, results from a G to C substitution at nucleotide position 340. The glutamic acid at codon 114 is replaced by glutamine, an amino acid with highly similar properties. This amino acid position is conserved. In addition, the in silico prediction for this alteration is inconclusive. Since supporting evidence is limited at this time, the clinical significance of this alteration remains unclear.

All of Us Research Program, National Institutes of Health
Classification: Uncertain significance for Loeys-Dietz syndrome 2. Last evaluated: 2024-08-06. Review status: criteria provided, single submitter. Criteria: ACMG Guidelines, 2015. Collection method: clinical testing. Allele origin: germline. Inheritance: Autosomal dominant inheritance. Observed: 5 variant alleles, 5 heterozygotes.
Comment: This missense variant replaces glutamic acid with glutamine at codon 114 of the TGFBR2 protein. Computational prediction suggests that this variant may not impact protein structure and function (internally defined REVEL score threshold <= 0.5, PMID: 27666373). To our knowledge, functional studies have not been reported for this variant. This variant has not been reported in individuals affected with TGFBR2-related disorders in the literature. This variant has been identified in 1/250966 chromosomes in the general population by the Genome Aggregation Database (gnomAD). The available evidence is insufficient to determine the role of this variant in disease conclusively. Therefore, this variant is classified as a Variant of Uncertain Significance.

This study involves interpretation of variants in research participants for the purpose of population health screening. Participant phenotype was not available at the time of variant classification. Additional details can be found in publication PMID: 35346344, PMCID: PMC8962531

Color Diagnostics, LLC DBA Color Health
Classification: Uncertain significance for Familial thoracic aortic aneurysm and aortic dissection. Last evaluated: 2024-03-06. Review status: criteria provided, single submitter. Criteria: ACMG Guidelines, 2015. Collection method: clinical testing. Allele origin: germline.
Comment: This missense variant replaces glutamic acid with glutamine at codon 114 of the TGFBR2 protein. Computational prediction suggests that this variant may not impact protein structure and function (internally defined REVEL score threshold <= 0.5, PMID: 27666373). To our knowledge, functional studies have not been reported for this variant. This variant has not been reported in individuals affected with TGFBR2-related disorders in the literature. This variant has been identified in 1/250966 chromosomes in the general population by the Genome Aggregation Database (gnomAD). The available evidence is insufficient to determine the role of this variant in disease conclusively. Therefore, this variant is classified as a Variant of Uncertain Significance.

Fulgent Genetics
Classification: Uncertain significance for Malignant tumor of esophagus; Loeys-Dietz syndrome 2; Colorectal cancer, hereditary nonpolyposis, type 6. Last evaluated: 2021-08-17. Review status: criteria provided, single submitter. Criteria: ACMG Guidelines, 2015. Collection method: clinical testing. Allele origin: unknown.

Clinical Genomics, Uppaluri K&H Personalized Medicine Clinic
Classification: Uncertain risk allele for Diabetic retinopathy. Review status: criteria provided, single submitter. Criteria: K And H Uppaluri Personalized Medicine Clinic Variant Classification And Assertion Criteria Updated V 2. Collection method: research. Allele origin: unknown.
Comment: Potent mutations in TGFBR2 gene encodes the transforming growth factor that have been associated with angiogenesis and diabetic retinopathy. More clinical studies are needed for stronger association. However, more evidence is required to confer the association of this particular variant rs771551560 with diabetic retinopathy.

Literature cited by the submitters: PubMed 30222965 (cited by Clinical Genomics, Uppaluri K&H Personalized Medicine Clinic); PubMed 28162229 (cited by Clinical Genomics, Uppaluri K&H Personalized Medicine Clinic); PubMed 34572573 (cited by Clinical Genomics, Uppaluri K&H Personalized Medicine Clinic).